The following is an entry in ClinVar:

ClinVar aggregate classification (germline): Uncertain significance. Review status: criteria provided, multiple submitters, no conflicts (2 of 4 stars). 2 submissions from 2 submitters: Uncertain significance (2). Last evaluated 2024-05-02.

Conditions:
Multiple endocrine neoplasia type 4. Also called: MULTIPLE ENDOCRINE NEOPLASIA, TYPE IV. Identifiers: Orphanet 276152, MedGen C1970712, MONDO:0012552, OMIM 610755.
Hereditary cancer-predisposing syndrome. Also called: Neoplastic Syndromes, Hereditary; Tumor predisposition; Hereditary Cancer Syndrome; Hereditary neoplastic syndrome. Identifiers: Orphanet 140162, MedGen C0027672, MeSH D009386, MONDO:0015356.

Allele frequency attached by ClinVar (database versions not stated): TOPMed below 0.00001; ExAC 0.00001.
gnomAD v4.1: 3 of 1,613,858 alleles (0.00019%); highest among the groups gnomAD compares: Non-Finnish European, 0.00025%; no homozygotes.

Submissions (2):

Labcorp Genetics (formerly Invitae), Labcorp
Classification: Uncertain significance for Multiple endocrine neoplasia type 4. Last evaluated: 2024-05-02. Review status: criteria provided, single submitter. Criteria: Invitae Variant Classification Sherloc (09022015). Collection method: clinical testing. Allele origin: germline.
Comment: This sequence change replaces proline, which is neutral and non-polar, with arginine, which is basic and polar, at codon 11 of the CDKN1B protein (p.Pro11Arg). This variant is present in population databases (rs748543504, gnomAD 0.0009%). This variant has not been reported in the literature in individuals affected with CDKN1B-related conditions. ClinVar contains an entry for this variant (Variation ID: 1729946). An algorithm developed to predict the effect of missense changes on protein structure and function (PolyPhen-2) suggests that this variant is likely to be disruptive. In summary, the available evidence is currently insufficient to determine the role of this variant in disease. Therefore, it has been classified as a Variant of Uncertain Significance.

Ambry Genetics
Classification: Uncertain significance for Hereditary cancer-predisposing syndrome. Last evaluated: 2023-08-17. Review status: criteria provided, single submitter. Criteria: Ambry Variant Classification Scheme 2023. Collection method: clinical testing. Allele origin: germline.
Comment: The p.P11R variant (also known as c.32C>G), located in coding exon 1 of the CDKN1B gene, results from a C to G substitution at nucleotide position 32. The proline at codon 11 is replaced by arginine, an amino acid with dissimilar properties. This amino acid position is highly conserved in available vertebrate species. In addition, this alteration is predicted to be deleterious by in silico analysis. Since supporting evidence is limited at this time, the clinical significance of this alteration remains unclear.

NM_004064.5(CDKN1B):c.32C>G (p.Pro11Arg)

Gene: CDKN1B (cyclin dependent kinase inhibitor 1B; plus strand). Cytogenetic location: 12p13.1.
Variant type: single nucleotide variant.
Coding change: c.32C>G on transcript NM_004064.5 (MANE Select); coding-DNA position 32, C replaced by G.
Protein change: p.Pro11Arg; replaces proline 11 with arginine.
Molecular consequence: missense variant.
Genome position (GRCh38, 1-based): chr12:12,717,871, C>G. VCF-style: chr12-12717871-C-G. GRCh37 (hg19) VCF-style: chr12-12870805-C-G.
Other names: short protein forms P11R.
Identifiers: ClinVar variation 1729946 (VCV001729946.5), dbSNP rs748543504, ClinGen allele CA6457365.